The following is an entry in ClinVar:

NM_001042492.3(NF1):c.4976T>C (p.Leu1659Pro)

Gene: NF1 (neurofibromin 1; plus strand). Cytogenetic location: 17q11.2.
Variant type: single nucleotide variant.
Coding change: c.4976T>C on transcript NM_001042492.3 (MANE Select); coding-DNA position 4976, T replaced by C.
Protein change: p.Leu1659Pro; replaces leucine 1659 with proline.
Molecular consequence: missense variant.
Genome position (GRCh38, 1-based): chr17:31,325,960, T>C. VCF-style: chr17-31325960-T-C. GRCh37 (hg19) VCF-style: chr17-29652978-T-C.
Other names: c.4913T>C, p.Leu1638Pro (NM_000267.4); short protein forms L1638P, L1659P.
Identifiers: ClinVar variation 1378475 (VCV001378475.6), dbSNP rs2151537955, ClinGen allele CA399007234.
Genomic context (GRCh38, chr17:31,325,960, plus strand): 5'-ATGAAATTGTAGTGGACCTTACCCATACCGGGCCTAGCAATCGCTTTAAAACAGACTTTC[T>C]CTCTAAGTGGTTTGTTGTTTTTCCTGGCTTTGCTTACGACAACGTCTCCGCAGTCTATAT-3'
Protein context (NP_001035957.1, residues 1649-1669): GPSNRFKTDF[Leu1659Pro]SKWFVVFPGF

ClinVar aggregate classification (germline): Uncertain significance (1 of 4 stars; one submission).

Conditions:
Neurofibromatosis, type 1 (NF1). Also called: VON RECKLINGHAUSEN DISEASE; Peripheral type neurofibromatosis; Neurofibromatosis, type I; NEUROFIBROMATOSIS, TYPE I, SOMATIC. Identifiers: Orphanet 636, MedGen C0027831, MONDO:0018975, OMIM 162200. Disease mechanism: loss of function.

Submission:

Labcorp Genetics (formerly Invitae), Labcorp
Classification: Uncertain significance for Neurofibromatosis, type 1. Last evaluated: 2021-11-06. Review status: criteria provided, single submitter. Criteria: Invitae Variant Classification Sherloc (09022015). Collection method: clinical testing. Allele origin: germline.
Comment: In summary, the available evidence is currently insufficient to determine the role of this variant in disease. Therefore, it has been classified as a Variant of Uncertain Significance. Advanced modeling of protein sequence and biophysical properties (such as structural, functional, and spatial information, amino acid conservation, physicochemical variation, residue mobility, and thermodynamic stability) performed at Invitae indicates that this missense variant is expected to disrupt NF1 protein function. This variant has not been reported in the literature in individuals affected with NF1-related conditions. This variant is not present in population databases (gnomAD no frequency). This sequence change replaces leucine, which is neutral and non-polar, with proline, which is neutral and non-polar, at codon 1638 of the NF1 protein (p.Leu1638Pro).